The following is an entry in ClinVar:

NM_024939.3(ESRP2):c.1092G>A (p.Val364=)

Gene: ESRP2 (epithelial splicing regulatory protein 2; minus strand). Cytogenetic location: 16q22.1.
Variant type: single nucleotide variant.
Coding change: c.1092G>A on transcript NM_024939.3 (MANE Select); coding-DNA position 1092, G replaced by A.
Protein change: p.Val364=; no amino-acid change (valine 364 retained).
Molecular consequence: synonymous variant.
Genome position (GRCh38, 1-based): chr16:68,232,009, C>T on the plus strand (G>A on the coding strand, the complement: ESRP2 is on the minus strand). VCF-style: chr16-68232009-C-T. GRCh37 (hg19) VCF-style: chr16-68265912-C-T.
Other names: c.1122G>A, p.Val374= (NM_001365264.1); c.1092G>A, p.Val364= (NM_001365265.1).
Identifiers: ClinVar variation 3049312 (VCV003049312.2), dbSNP rs144444211, ClinGen allele CA8125330.

ClinVar aggregate classification (germline): Likely benign (0 of 4 stars; one submission).

Conditions:
ESRP2-related disorder. Also called: ESRP2-related condition.

Allele frequency attached by ClinVar (database versions not stated): ESP Exome Variant Server 0.00038; gnomAD exomes 0.00047; ExAC 0.00077; gnomAD 0.00077; 1000 Genomes Project 30x 0.00078; 1000 Genomes Project 0.00100.

Submission:

PreventionGenetics, part of Exact Sciences
Classification: Likely benign for ESRP2-related condition. Last evaluated: 2019-04-08. Review status: no assertion criteria provided. Collection method: clinical testing. Allele origin: germline.
Comment: This variant is classified as likely benign based on ACMG/AMP sequence variant interpretation guidelines (Richards et al. 2015 PMID: 25741868, with internal and published modifications).